The following is an entry in ClinVar:

NM_000088.4(COL1A1):c.441_458dup (p.Gly154_Leu155insProProGlyProProGly)

Gene: COL1A1 (collagen type I alpha 1 chain; minus strand). Cytogenetic location: 17q21.33.
Variant type: Duplication.
Coding change: c.441_458dup on transcript NM_000088.4 (MANE Select); coding-DNA positions 441 to 458, 18 bases duplicated (CGGACCTCCCGGACCCCC).
Protein change: p.Gly154_Leu155insProProGlyProProGly.
Molecular consequence: inframe insertion.
Genome position (GRCh38, 1-based): chr17:50,199,239-50,199,256, GGGGGTCCGGGAGGTCCG duplicated on the plus strand (CGGACCTCCCGGACCCCC on the coding strand, the reverse complement: COL1A1 is on the minus strand); duplicating any 18 consecutive bases within chr17:50,199,239-50,199,267 gives the same sequence; the c. name uses the placement nearest the transcript's 3' end. VCF-style (leftmost placement, unchanged base first): chr17-50199238-A-AGGGGGTCCGGGAGGTCCG. GRCh37 (hg19) VCF-style: chr17-48276599-A-AGGGGGTCCGGGAGGTCCG.
Identifiers: ClinVar variation 2892452 (VCV002892452.3), dbSNP rs1315804923, ClinGen allele CA2638681687.

ClinVar aggregate classification (germline): Uncertain significance (1 of 4 stars; one submission).

Conditions:
Osteogenesis imperfecta type I (OI1). Also called: Lobstein's Disease; OI, TYPE I; OSTEOGENESIS IMPERFECTA TARDA; OSTEOGENESIS IMPERFECTA WITH BLUE SCLERAE; Osteogenesis imperfecta type 1; Lobstein disease. Identifiers: Orphanet 216796, Orphanet 666, MedGen C0023931, MONDO:0008146, OMIM 166200. Disease mechanism: loss of function.

Submission:

Labcorp Genetics (formerly Invitae), Labcorp
Classification: Uncertain significance for Osteogenesis imperfecta type I. Last evaluated: 2025-06-17. Review status: criteria provided, single submitter. Criteria: Invitae Variant Classification Sherloc (09022015). Collection method: clinical testing. Allele origin: germline.
Comment: This variant, c.441_458dup, results in the insertion of 6 amino acid(s) of the COL1A1 protein (p.Pro149_Gly154dup), but otherwise preserves the integrity of the reading frame. This variant is not present in population databases (gnomAD no frequency). This variant has not been reported in the literature in individuals affected with COL1A1-related conditions. ClinVar contains an entry for this variant (Variation ID: 2892452). Experimental studies and prediction algorithms are not available or were not evaluated, and the functional significance of this variant is currently unknown. In summary, the available evidence is currently insufficient to determine the role of this variant in disease. Therefore, it has been classified as a Variant of Uncertain Significance.